The following is an entry in ClinVar:

NC_000016.9:g.(?_89862304)_(89866056_?)del

Gene: FANCA (FA complementation group A; minus strand). Cytogenetic location: 16q24.3.
Variant type: Deletion.
Identifiers: ClinVar variation 2422418 (VCV002422418.4).

ClinVar aggregate classification (germline): Pathogenic (1 of 4 stars; one submission).

Conditions:
Fanconi anemia (FA). Also called: Fanconi's anemia. Identifiers: Orphanet 84, MedGen C0015625, MeSH D005199, MONDO:0019391.

Submission:

Labcorp Genetics (formerly Invitae), Labcorp
Classification: Pathogenic for Fanconi anemia. Last evaluated: 2022-06-14. Review status: criteria provided, single submitter. Criteria: Invitae Variant Classification Sherloc (09022015). Collection method: clinical testing. Allele origin: germline.
Comment: For these reasons, this variant has been classified as Pathogenic. This variant has not been reported in the literature in individuals affected with FANCA-related conditions. This variant is a gross deletion of the genomic region encompassing exon(s) 9-11 of the FANCA gene. This deletion is out-of-frame, and is expected to create a premature termination codon and result in an absent or disrupted protein product. Loss-of-function variants in FANCA are known to be pathogenic (PMID: 19367192).

Literature cited by the submitters: PubMed 19367192.